The following is an entry in ClinVar:

ClinVar aggregate classification (germline): Likely pathogenic. Review status: criteria provided, multiple submitters, no conflicts (2 of 4 stars). 3 submissions from 3 submitters: Likely pathogenic (2). 1 of the submissions does not count toward it. Last evaluated 2023-02-23.

Conditions:
Multiple congenital anomalies-neurodevelopmental syndrome, X-linked. Also called: LINKED SYNDROME. Identifiers: MedGen C5542341, MONDO:0025351, OMIM 301056.
Inborn genetic diseases. Identifiers: MedGen C0950123, MeSH D030342.

Submissions (3):

3billion
Classification: Likely pathogenic for Multiple congenital anomalies-neurodevelopmental syndrome, X-linked. Last evaluated: 2023-02-23. Review status: criteria provided, single submitter. Criteria: ACMG Guidelines, 2015. Collection method: clinical testing. Allele origin: unknown. Affected: yes.
Comment: The variant is not observed in the gnomAD v2.1.1 dataset. Missense changes are a common disease-causing mechanism. Same nucleotide change resulting in same amino acid change has been previously reported to be associated with OTUD5-related disorder (PMID: 33523931). The variant has been previously reported as de novo in a similarly affected individual (PMID: 33523931, 33523931). Therefore, this variant is classified as Likely pathogenic according to the recommendation of ACMG/AMP guideline.

Ambry Genetics
Classification: Likely pathogenic for Inborn genetic diseases. Last evaluated: 2022-01-03. Review status: criteria provided, single submitter. Criteria: Ambry Variant Classification Scheme 2023. Collection method: clinical testing. Allele origin: germline.
Comment: The c.1558C>T (p.R520W) alteration is located in exon 8 (coding exon 8) of the OTUD5 gene. This alteration results from a C to T substitution at nucleotide position 1558, causing the arginine (R) at amino acid position 520 to be replaced by a tryptophan (W). This variant was not reported in population-based cohorts in the Genome Aggregation Database (gnomAD). This alteration was reported de novo in one individual with global developmental delay, moderate intellectual disability, autistic behavior, hirsutism, macrocephaly, central nervous system abnormalities, feeding difficulties, hepatomegaly, conductive hearing loss, hypermetropia, astigmatism, hypodontia, butterfly vertebrae, duplex left kidney, low folate, and dysmorphic features (Beck, 2021). This amino acid position is highly conserved in available vertebrate species. This missense alteration is located in a region that has a low rate of benign missense variation (Lek, 2016; Firth, 2009). This alteration is predicted to be tolerated by in silico analysis. Based on the available evidence, this alteration is classified as likely pathogenic.

Institute for Clinical Genetics, University Hospital TU Dresden, University Hospital TU Dresden
Classification: Uncertain significance. Last evaluated: 2022-05-20. Review status: flagged submission. Criteria: ACMG Guidelines, 2015. Collection method: clinical testing. Allele origin: germline. Not counted in ClinVar's aggregate classification.
Comment: PP3, PM2_SUP, PP2
ClinVar note: Reason: Claim with insufficient supporting evidence

Literature cited by the submitters: PubMed 33523931 (cited by 3billion and Ambry Genetics).

NM_001136157.2(OTUD5):c.1543C>T (p.Arg515Trp)

Gene: OTUD5 (OTU deubiquitinase 5; minus strand). Cytogenetic location: Xp11.23.
Variant type: single nucleotide variant.
Coding change: c.1543C>T on transcript NM_001136157.2 (MANE Select); coding-DNA position 1543, C replaced by T.
Protein change: p.Arg515Trp; replaces arginine 515 with tryptophan.
Molecular consequence: missense variant.
Genome position (GRCh38, 1-based): chrX:48,923,669, G>A on the plus strand (C>T on the coding strand, the complement: OTUD5 is on the minus strand). VCF-style: chrX-48923669-G-A. GRCh37 (hg19) VCF-style: chrX-48780946-G-A.
Other names: c.1543C>T, p.Arg515Trp (NM_001136158.2); c.892C>T, p.Arg298Trp (NM_001136159.2); c.1558C>T, p.Arg520Trp (NM_017602.4); short protein forms R520W, R298W, R515W.
Identifiers: ClinVar variation 2204087 (VCV002204087.4), dbSNP rs2519708540, ClinGen allele CA412906125.